The following is an entry in ClinVar:

ClinVar aggregate classification (germline): Likely benign (1 of 4 stars; one submission).

Submission:

Women's Health and Genetics/Laboratory Corporation of America, LabCorp
Classification: Likely benign. Last evaluated: 2025-11-04. Review status: criteria provided, single submitter. Criteria: LabCorp Variant Classification Summary - May 2015. Collection method: clinical testing. Allele origin: germline.
Comment: Variant summary: DCAF8 c.309A>G alters a non-conserved nucleotide resulting in a synonymous change. Consensus agreement among computation tools predict no significant impact on normal splicing. However, these predictions have yet to be confirmed by functional studies. The variant was absent in 250880 control chromosomes. The available data on variant occurrences in the general population are insufficient to allow any conclusion about variant significance. To our knowledge, no occurrence of c.309A>G in individuals affected with DCAF8-related conditions and no experimental evidence demonstrating its impact on protein function have been reported. No submitters have cited clinical-significance assessments for this variant to ClinVar. Based on the evidence outlined above, the variant was classified as likely benign.

NM_015726.4(DCAF8):c.309A>G (p.Glu103=)

Gene: DCAF8 (DDB1 and CUL4 associated factor 8; minus strand). Cytogenetic location: 1q23.2.
Variant type: single nucleotide variant.
Coding change: c.309A>G on transcript NM_015726.4 (MANE Select); coding-DNA position 309, A replaced by G.
Protein change: p.Glu103=; no amino-acid change (glutamic acid 103 retained).
Molecular consequence: synonymous variant. On other transcripts: non-coding transcript variant (4).
Genome position (GRCh38, 1-based): chr1:160,240,111, T>C on the plus strand (A>G on the coding strand, the complement: DCAF8 is on the minus strand). VCF-style: chr1-160240111-T-C. GRCh37 (hg19) VCF-style: chr1-160209901-T-C.
Identifiers: ClinVar variation 4537066 (VCV004537066.1).